The following is an entry in ClinVar:

NM_004341.5(CAD):c.482A>C (p.Glu161Ala)

Gene: CAD (carbamoyl-phosphate synthetase 2, aspartate transcarbamylase, and dihydroorotase; plus strand). Cytogenetic location: 2p23.3.
Variant type: single nucleotide variant.
Coding change: c.482A>C on transcript NM_004341.5 (MANE Select); coding-DNA position 482, A replaced by C.
Protein change: p.Glu161Ala; replaces glutamic acid 161 with alanine.
Molecular consequence: missense variant.
Genome position (GRCh38, 1-based): chr2:27,222,323, A>C. VCF-style: chr2-27222323-A-C. GRCh37 (hg19) VCF-style: chr2-27445191-A-C.
Other names: c.482A>C, p.Glu161Ala (NM_001306079.2); short protein forms E161A.
Identifiers: ClinVar variation 1402792 (VCV001402792.3), dbSNP rs1407553031, ClinGen allele CA346199273.

ClinVar aggregate classification (germline): Uncertain significance (1 of 4 stars; one submission).

Allele frequency attached by ClinVar (database versions not stated): gnomAD exomes 0.00001; TOPMed 0.00001; gnomAD 0.00002.
gnomAD v4.1: 10 of 1,612,290 alleles (0.00062%); highest among the groups gnomAD compares: Non-Finnish European, 0.00085%; no homozygotes.

Submission:

Labcorp Genetics (formerly Invitae), Labcorp
Classification: Uncertain significance. Last evaluated: 2021-08-30. Review status: criteria provided, single submitter. Criteria: Invitae Variant Classification Sherloc (09022015). Collection method: clinical testing. Allele origin: germline.
Comment: This sequence change replaces glutamic acid with alanine at codon 161 of the CAD protein (p.Glu161Ala). The glutamic acid residue is moderately conserved and there is a moderate physicochemical difference between glutamic acid and alanine. This variant is not present in population databases (ExAC no frequency). This variant has not been reported in the literature in individuals affected with CAD-related conditions. Algorithms developed to predict the effect of missense changes on protein structure and function (SIFT, PolyPhen-2, Align-GVGD) all suggest that this variant is likely to be tolerated. In summary, the available evidence is currently insufficient to determine the role of this variant in disease. Therefore, it has been classified as a Variant of Uncertain Significance.